The following is an entry in ClinVar:

ClinVar aggregate classification (germline): Uncertain significance. Review status: criteria provided, multiple submitters, no conflicts (2 of 4 stars). 2 submissions from 2 submitters: Uncertain significance (2). Last evaluated 2024-02-24.

Conditions:
Usher syndrome type 2C. Also called: Usher syndrome, type 2B; USHER SYNDROME, TYPE IIC. Identifiers: Orphanet 231178, Orphanet 886, MedGen C2931213, MONDO:0011558, OMIM 605472.

Allele frequency attached by ClinVar (database versions not stated): gnomAD exomes 0.00001; ExAC 0.00002.
gnomAD v4.1: 9 of 1,614,022 alleles (0.00056%); highest among the groups gnomAD compares: South Asian, 0.0099%; no homozygotes.

Submissions (2):

Labcorp Genetics (formerly Invitae), Labcorp
Classification: Uncertain significance. Last evaluated: 2024-02-24. Review status: criteria provided, single submitter. Criteria: Invitae Variant Classification Sherloc (09022015). Collection method: clinical testing. Allele origin: germline.
Comment: This sequence change replaces alanine, which is neutral and non-polar, with valine, which is neutral and non-polar, at codon 5187 of the ADGRV1 protein (p.Ala5187Val). This variant is present in population databases (rs758664211, gnomAD 0.006%). This variant has not been reported in the literature in individuals affected with ADGRV1-related conditions. ClinVar contains an entry for this variant (Variation ID: 906621). An algorithm developed to predict the effect of missense changes on protein structure and function (PolyPhen-2) suggests that this variant is likely to be disruptive. In summary, the available evidence is currently insufficient to determine the role of this variant in disease. Therefore, it has been classified as a Variant of Uncertain Significance.

Illumina Laboratory Services, Illumina
Classification: Uncertain significance for Usher syndrome type 2C. Last evaluated: 2018-01-22. Review status: criteria provided, single submitter. Criteria: ICSL Variant Classification Criteria 13 December 2019. Collection method: clinical testing. Allele origin: germline.

NM_032119.4(ADGRV1):c.15560C>T (p.Ala5187Val)

Gene: ADGRV1 (adhesion G protein-coupled receptor V1; plus strand). Cytogenetic location: 5q14.3.
Variant type: single nucleotide variant.
Coding change: c.15560C>T on transcript NM_032119.4 (MANE Select); coding-DNA position 15560, C replaced by T.
Protein change: p.Ala5187Val; replaces alanine 5187 with valine.
Molecular consequence: missense variant. On other transcripts: non-coding transcript variant (1).
Genome position (GRCh38, 1-based): chr5:90,810,820, C>T. VCF-style: chr5-90810820-C-T. GRCh37 (hg19) VCF-style: chr5-90106637-C-T.
Other names: short protein forms A5187V.
Identifiers: ClinVar variation 906621 (VCV000906621.6), dbSNP rs758664211, ClinGen allele CA3341944.